The following is an entry in ClinVar:

NM_002485.5(NBN):c.1124+4A>T

Gene: NBN (nibrin; minus strand). Cytogenetic location: 8q21.3.
Variant type: single nucleotide variant.
Coding change: c.1124+4A>T on transcript NM_002485.5 (MANE Select); 4 bases into the intron after coding-DNA position 1124, A replaced by T.
Molecular consequence: intron variant.
Genome position (GRCh38, 1-based): chr8:89,958,721, T>A on the plus strand (A>T on the coding strand, the complement: NBN is on the minus strand). VCF-style: chr8-89958721-T-A. GRCh37 (hg19) VCF-style: chr8-90970949-T-A.
Other names: c.878+4A>T (NM_001024688.3).
Identifiers: ClinVar variation 1798536 (VCV001798536.7), dbSNP rs1314777940, ClinGen allele CA2580079088.
Genomic context (GRCh38, chr8:89,958,721, plus strand): 5'-CCTGAATATACTATTAATTTATTGATAGAATAATAACAATAGTACGGTAATGAAGAAGCT[T>A]TACCATGTATCTGCTTGCTCTGATTCTGTGTCAGCTACGTATGTTGTAGTGTTCACTGGG-3'

ClinVar aggregate classification (germline): Uncertain significance. Review status: criteria provided, multiple submitters, no conflicts (2 of 4 stars). 2 submissions from 2 submitters: Uncertain significance (2). Last evaluated 2022-08-26.

Conditions:
Microcephaly, normal intelligence and immunodeficiency (NBS). Also called: Immunodeficiency, microcephaly with normal intelligence; Ataxia telangiectasia variant V1; IMMUNODEFICIENCY, MICROCEPHALY, AND CHROMOSOMAL INSTABILITY; SEEMANOVA SYNDROME II; Nijmegen breakage syndrome; Microcephaly with normal intelligence immunodeficiency and lymphoreticular malignancies. Identifiers: Orphanet 647, MedGen C0398791, MONDO:0009623, OMIM 251260.
Hereditary cancer-predisposing syndrome. Also called: Neoplastic Syndromes, Hereditary; Tumor predisposition; Hereditary neoplastic syndrome; Hereditary Cancer Syndrome. Identifiers: Orphanet 140162, MedGen C0027672, MeSH D009386, MONDO:0015356.

Submissions (2):

Ambry Genetics
Classification: Uncertain significance for Hereditary cancer-predisposing syndrome. Last evaluated: 2022-08-26. Review status: criteria provided, single submitter. Criteria: Ambry Variant Classification Scheme 2023. Collection method: clinical testing. Allele origin: germline.
Comment: The c.1124+4A>T intronic variant results from an A to T substitution 4 nucleotides after coding exon 9 in the NBN gene. This nucleotide position is highly conserved in available vertebrate species. In silico splice site analysis predicts that this alteration will not have any significant effect on splicing. Since supporting evidence is limited at this time, the clinical significance of this alteration remains unclear.

Labcorp Genetics (formerly Invitae), Labcorp
Classification: Uncertain significance for Microcephaly, normal intelligence and immunodeficiency. Last evaluated: 2022-08-19. Review status: criteria provided, single submitter. Criteria: Invitae Variant Classification Sherloc (09022015). Collection method: clinical testing. Allele origin: germline.
Comment: This sequence change falls in intron 9 of the NBN gene. It does not directly change the encoded amino acid sequence of the NBN protein. It affects a nucleotide within the consensus splice site. This variant is not present in population databases (gnomAD no frequency). This variant has not been reported in the literature in individuals affected with NBN-related conditions. Variants that disrupt the consensus splice site are a relatively common cause of aberrant splicing (PMID: 17576681, 9536098). Algorithms developed to predict the effect of sequence changes on RNA splicing suggest that this variant is not likely to affect RNA splicing. In summary, the available evidence is currently insufficient to determine the role of this variant in disease. Therefore, it has been classified as a Variant of Uncertain Significance.

Literature cited by the submitters: PubMed 17576681 (cited by Labcorp Genetics (formerly Invitae), Labcorp); PubMed 9536098 (cited by Labcorp Genetics (formerly Invitae), Labcorp).